The following is an entry in ClinVar:

ClinVar aggregate classification (germline): Uncertain significance (1 of 4 stars; one submission).

Conditions:
Inborn genetic diseases. Identifiers: MedGen C0950123, MeSH D030342.

Submission:

Ambry Genetics
Classification: Uncertain significance for Inborn genetic diseases. Last evaluated: 2025-10-26. Review status: criteria provided, single submitter. Criteria: Ambry Variant Classification Scheme 2023. Collection method: clinical testing. Allele origin: germline.
Comment: The p.H440D variant (also known as c.1318C>G), located in coding exon 6 of the SH2B3 gene, results from a C to G substitution at nucleotide position 1318. The histidine at codon 440 is replaced by aspartic acid, an amino acid with similar properties. This amino acid position is conserved. In addition, this alteration is predicted to be deleterious by in silico analysis. Based on the available evidence, the clinical significance of this variant remains unclear.

NM_005475.3(SH2B3):c.1318C>G (p.His440Asp)

Gene: SH2B3 (SH2B adaptor protein 3; plus strand). Cytogenetic location: 12q24.12.
Variant type: single nucleotide variant.
Coding change: c.1318C>G on transcript NM_005475.3 (MANE Select); coding-DNA position 1318, C replaced by G.
Protein change: p.His440Asp; replaces histidine 440 with aspartic acid.
Molecular consequence: missense variant.
Genome position (GRCh38, 1-based): chr12:111,447,737, C>G. VCF-style: chr12-111447737-C-G. GRCh37 (hg19) VCF-style: chr12-111885541-C-G.
Other names: c.712C>G, p.His238Asp (NM_001291424.1); short protein forms H238D, H440D.
Identifiers: ClinVar variation 4630733 (VCV004630733.1).